The following is an entry in ClinVar:

NM_153603.4(COG7):c.412A>G (p.Ile138Val)

Gene: COG7 (component of oligomeric golgi complex 7; minus strand). Cytogenetic location: 16p12.2.
Variant type: single nucleotide variant.
Coding change: c.412A>G on transcript NM_153603.4 (MANE Select); coding-DNA position 412, A replaced by G.
Protein change: p.Ile138Val; replaces isoleucine 138 with valine.
Molecular consequence: missense variant.
Genome position (GRCh38, 1-based): chr16:23,445,071, T>C on the plus strand (A>G on the coding strand, the complement: COG7 is on the minus strand). VCF-style: chr16-23445071-T-C. GRCh37 (hg19) VCF-style: chr16-23456392-T-C.
Other names: short protein forms I138V.
Identifiers: ClinVar variation 2172909 (VCV002172909.4), dbSNP rs1298612634, ClinGen allele CA395117095.

ClinVar aggregate classification (germline): Uncertain significance (1 of 4 stars; one submission).

Conditions:
COG7 congenital disorder of glycosylation (CDG2E). Also called: CONGENITAL DISORDER OF GLYCOSYLATION, TYPE IIe; CDG IIe. Identifiers: Orphanet 79333, MedGen C2931010, MONDO:0012118, OMIM 608779.

Allele frequency attached by ClinVar (database versions not stated): gnomAD exomes below 0.00001; TOPMed below 0.00001.
gnomAD v4.1: 2 of 1,613,902 alleles (0.00012%); highest among the groups gnomAD compares: Admixed American, 0.0033%; no homozygotes.

Submission:

Labcorp Genetics (formerly Invitae), Labcorp
Classification: Uncertain significance for COG7 congenital disorder of glycosylation. Last evaluated: 2022-02-22. Review status: criteria provided, single submitter. Criteria: Invitae Variant Classification Sherloc (09022015). Collection method: clinical testing. Allele origin: germline.
Comment: This sequence change replaces isoleucine, which is neutral and non-polar, with valine, which is neutral and non-polar, at codon 138 of the COG7 protein (p.Ile138Val). This variant is present in population databases (no rsID available, gnomAD 0.003%). This variant has not been reported in the literature in individuals affected with COG7-related conditions. Algorithms developed to predict the effect of missense changes on protein structure and function (SIFT, PolyPhen-2, Align-GVGD) all suggest that this variant is likely to be tolerated. In summary, the available evidence is currently insufficient to determine the role of this variant in disease. Therefore, it has been classified as a Variant of Uncertain Significance.